The following is an entry in ClinVar:

NM_004006.3(DMD):c.7748C>G (p.Thr2583Arg)

Gene: DMD (dystrophin; minus strand). Cytogenetic location: Xp21.1.
Variant type: single nucleotide variant.
Coding change: c.7748C>G on transcript NM_004006.3 (MANE Select); coding-DNA position 7748, C replaced by G.
Protein change: p.Thr2583Arg; replaces threonine 2583 with arginine.
Molecular consequence: missense variant.
Genome position (GRCh38, 1-based): chrX:31,679,499, G>C on the plus strand (C>G on the coding strand, the complement: DMD is on the minus strand). VCF-style: chrX-31679499-G-C. GRCh37 (hg19) VCF-style: chrX-31697616-G-C.
Other names: c.7724C>G, p.Thr2575Arg (NM_000109.4); c.7736C>G, p.Thr2579Arg (NM_004009.3); c.7379C>G, p.Thr2460Arg (NM_004010.3); c.3725C>G, p.Thr1242Arg (NM_004011.4); c.3716C>G, p.Thr1239Arg (NM_004012.4); c.368C>G, p.Thr123Arg (NM_004013.3, NM_004020.4, NM_004021.3 and 2 more transcripts); short protein forms T2575R, T2579R, T2583R, T123R, T1242R, T1239R, T2460R.
Identifiers: ClinVar variation 2747612 (VCV002747612.3), dbSNP rs986918272, ClinGen allele CA412656821.

ClinVar aggregate classification (germline): Uncertain significance (1 of 4 stars; one submission).

Conditions:
Duchenne muscular dystrophy (DMD). Also called: MUSCULAR DYSTROPHY, PSEUDOHYPERTROPHIC PROGRESSIVE, DUCHENNE TYPE; Duchenne Muscular Dystrophy (DMD). Identifiers: Orphanet 98896, MedGen C0013264, MONDO:0010679, OMIM 310200.

Submission:

Labcorp Genetics (formerly Invitae), Labcorp
Classification: Uncertain significance for Duchenne muscular dystrophy. Last evaluated: 2023-07-28. Review status: criteria provided, single submitter. Criteria: Invitae Variant Classification Sherloc (09022015). Collection method: clinical testing. Allele origin: germline.
Comment: In summary, the available evidence is currently insufficient to determine the role of this variant in disease. Therefore, it has been classified as a Variant of Uncertain Significance. Advanced modeling of protein sequence and biophysical properties (such as structural, functional, and spatial information, amino acid conservation, physicochemical variation, residue mobility, and thermodynamic stability) performed at Invitae indicates that this missense variant is not expected to disrupt DMD protein function. This variant has not been reported in the literature in individuals affected with DMD-related conditions. This variant is not present in population databases (gnomAD no frequency). This sequence change replaces threonine, which is neutral and polar, with arginine, which is basic and polar, at codon 2583 of the DMD protein (p.Thr2583Arg).